The following is an entry in ClinVar:

NM_000487.6(ARSA):c.802G>A (p.Gly268Arg)

Gene: ARSA (arylsulfatase A; minus strand). Cytogenetic location: 22q13.33.
Variant type: single nucleotide variant.
Coding change: c.802G>A on transcript NM_000487.6 (MANE Select); coding-DNA position 802, G replaced by A.
Protein change: p.Gly268Arg; replaces glycine 268 with arginine.
Molecular consequence: missense variant.
Genome position (GRCh38, 1-based): chr22:50,626,643, C>T on the plus strand (G>A on the coding strand, the complement: ARSA is on the minus strand). VCF-style: chr22-50626643-C-T. GRCh37 (hg19) VCF-style: chr22-51065071-C-T.
Other names: c.802G>A (NM_000487.5); c.802G>A, p.Gly268Arg (NM_001085425.3, NM_001085426.3, NM_001085427.3); c.544G>A, p.Gly182Arg (NM_001085428.3, NM_001362782.2); short protein forms G182R, G268R.
Identifiers: ClinVar variation 1420252 (VCV001420252.8), dbSNP rs1404723529, ClinGen allele CA412176099.

ClinVar aggregate classification (germline): Conflicting classifications of pathogenicity. Review status: criteria provided, conflicting classifications (1 of 4 stars). 3 submissions from 3 submitters: Uncertain significance (2); Likely benign (1). Last evaluated 2024-02-06.

Conditions:
Inborn genetic diseases. Identifiers: MedGen C0950123, MeSH D030342.
Metachromatic leukodystrophy (MLD). Also called: Cerebral sclerosis diffuse metachromatic form; SULFATIDE LIPIDOSIS; CEREBROSIDE SULFATASE DEFICIENCY; METACHROMATIC LEUKOENCEPHALOPATHY; ARSA DEFICIENCY; Arylsulfatase A Deficiency. Identifiers: Orphanet 512, MedGen C0023522, MONDO:0018868, OMIM 250100.

Allele frequency attached by ClinVar (database versions not stated): gnomAD exomes below 0.00001.
gnomAD v4.1: 1 of 1,614,116 alleles (0.000062%); highest among the groups gnomAD compares: Admixed American, 0.0017%; no homozygotes.

Submissions (3):

Ambry Genetics
Classification: Likely benign for Inborn genetic diseases. Last evaluated: 2024-02-06. Review status: criteria provided, single submitter. Criteria: Ambry Variant Classification Scheme 2023. Collection method: clinical testing. Allele origin: germline.

Labcorp Genetics (formerly Invitae), Labcorp
Classification: Uncertain significance for Metachromatic leukodystrophy. Last evaluated: 2022-10-03. Review status: criteria provided, single submitter. Criteria: Invitae Variant Classification Sherloc (09022015). Collection method: clinical testing. Allele origin: germline.
Comment: In summary, the available evidence is currently insufficient to determine the role of this variant in disease. Therefore, it has been classified as a Variant of Uncertain Significance. Advanced modeling of protein sequence and biophysical properties (such as structural, functional, and spatial information, amino acid conservation, physicochemical variation, residue mobility, and thermodynamic stability) performed at Invitae indicates that this missense variant is not expected to disrupt ARSA protein function. ClinVar contains an entry for this variant (Variation ID: 1420252). This variant has not been reported in the literature in individuals affected with ARSA-related conditions. This variant is present in population databases (no rsID available, gnomAD 0.003%). This sequence change replaces glycine, which is neutral and non-polar, with arginine, which is basic and polar, at codon 268 of the ARSA protein (p.Gly268Arg).

Blueprint Genetics
Classification: Uncertain significance. Last evaluated: 2022-06-27. Review status: criteria provided, single submitter. Criteria: ACMG Guidelines, 2015. Collection method: clinical testing. Allele origin: germline.